The following is an entry in ClinVar:

NM_000052.7(ATP7A):c.1544-705C>T

Gene: ATP7A (ATPase copper transporting alpha; plus strand). Cytogenetic location: Xq21.1.
Variant type: single nucleotide variant.
Coding change: c.1544-705C>T on transcript NM_000052.7 (MANE Select); 705 bases into the intron before coding-DNA position 1544, C replaced by T.
Molecular consequence: intron variant.
Genome position (GRCh38, 1-based): chrX:78,002,368, C>T. VCF-style: chrX-78002368-C-T. GRCh37 (hg19) VCF-style: chrX-77257865-C-T.
Other names: c.1544-705C>T (NM_001282224.2).
Identifiers: ClinVar variation 4534678 (VCV004534678.6).
Genomic context (GRCh38, chrX:78,002,368, plus strand): 5'-CTGGACTCAAGCGATCTGCCCTCCTCGGCCTCCCGAAGTTCTGGGATTGCAGGCATGAGC[C>T]GTCATGCCCAGCCGAGTCCCTTTCTCTAGTACTCTGTCTTATTAATTTCTAAAAATGCTT-3'

ClinVar aggregate classification (germline): Likely benign (1 of 4 stars; one submission).

gnomAD v4.1: 21 of 109,635 alleles (0.019%); highest among the groups gnomAD compares: East Asian, 0.45%; no homozygotes.

Submission:

CeGaT Center for Human Genetics Tuebingen
Classification: Likely benign. Last evaluated: 2025-10-01. Review status: criteria provided, single submitter. Criteria: CeGaT Center For Human Genetics Tuebingen Variant Classification Criteria Version 2. Collection method: clinical testing. Allele origin: germline. Affected: yes. Observed: 1 variant allele.
Comment: ATP7A: BS2